The following is an entry in ClinVar:

ClinVar aggregate classification (germline): Benign (0 of 4 stars; one submission).

Conditions:
MYOM2-related disorder. Also called: MYOM2-related condition.

Allele frequency attached by ClinVar (database versions not stated): ESP Exome Variant Server 0.13801; gnomAD 0.15064; gnomAD exomes 0.15237; TOPMed 0.15277; ExAC 0.15630; 1000 Genomes Project 0.16593; 1000 Genomes Project 30x 0.16724.
gnomAD v4.1: 245,276 of 1,611,812 alleles (15%); highest among the groups gnomAD compares: East Asian, 24%; 19,380 homozygotes.

Submission:

PreventionGenetics, part of Exact Sciences
Classification: Benign for MYOM2-related condition. Last evaluated: 2019-10-21. Review status: no assertion criteria provided. Collection method: clinical testing. Allele origin: germline.
Comment: This variant is classified as benign based on ACMG/AMP sequence variant interpretation guidelines (Richards et al. 2015 PMID: 25741868, with internal and published modifications).

NM_003970.4(MYOM2):c.2327C>T (p.Thr776Met)

Gene: MYOM2 (myomesin 2; plus strand). Cytogenetic location: 8p23.3.
Variant type: single nucleotide variant.
Coding change: c.2327C>T on transcript NM_003970.4 (MANE Select); coding-DNA position 2327, C replaced by T.
Protein change: p.Thr776Met; replaces threonine 776 with methionine.
Molecular consequence: missense variant.
Genome position (GRCh38, 1-based): chr8:2,098,870, C>T. VCF-style: chr8-2098870-C-T. GRCh37 (hg19) VCF-style: chr8-2046700-C-T.
Other names: short protein forms T776M.
Identifiers: ClinVar variation 3059885 (VCV003059885.2), dbSNP rs2294066, ClinGen allele CA170457726.